The following is an entry in ClinVar:

NM_004385.5(VCAN):c.1406A>G (p.Tyr469Cys)

Gene: VCAN (versican; plus strand). Cytogenetic location: 5q14.3.
Variant type: single nucleotide variant.
Coding change: c.1406A>G on transcript NM_004385.5 (MANE Select); coding-DNA position 1406, A replaced by G.
Protein change: p.Tyr469Cys; replaces tyrosine 469 with cysteine.
Molecular consequence: missense variant. On other transcripts: intron variant (2).
Genome position (GRCh38, 1-based): chr5:83,519,712, A>G. VCF-style: chr5-83519712-A-G. GRCh37 (hg19) VCF-style: chr5-82815531-A-G.
Other names: c.1406A>G, p.Tyr469Cys (NM_001164098.2); c.1042+7316A>G (NM_001164097.2, NM_001126336.3); short protein forms Y469C.
Identifiers: ClinVar variation 1419192 (VCV001419192.6), dbSNP rs974893955, ClinGen allele CA121790920.

ClinVar aggregate classification (germline): Uncertain significance (1 of 4 stars; one submission).

Allele frequency attached by ClinVar (database versions not stated): gnomAD exomes below 0.00001.
gnomAD v4.1: 2 of 1,614,192 alleles (0.00012%); highest among the groups gnomAD compares: Non-Finnish European, 0.00017%; no homozygotes.

Submission:

Labcorp Genetics (formerly Invitae), Labcorp
Classification: Uncertain significance. Last evaluated: 2024-10-23. Review status: criteria provided, single submitter. Criteria: Invitae Variant Classification Sherloc (09022015). Collection method: clinical testing. Allele origin: germline.
Comment: This sequence change replaces tyrosine, which is neutral and polar, with cysteine, which is neutral and slightly polar, at codon 469 of the VCAN protein (p.Tyr469Cys). This variant is not present in population databases (gnomAD no frequency). This variant has not been reported in the literature in individuals affected with VCAN-related conditions. ClinVar contains an entry for this variant (Variation ID: 1419192). An algorithm developed to predict the effect of missense changes on protein structure and function (PolyPhen-2) suggests that this variant is likely to be disruptive. In summary, the available evidence is currently insufficient to determine the role of this variant in disease. Therefore, it has been classified as a Variant of Uncertain Significance.